The following is an entry in ClinVar:

ClinVar aggregate classification (germline): Benign/Likely benign. Review status: criteria provided, multiple submitters, no conflicts (2 of 4 stars). 8 submissions from 8 submitters: Benign (2); Likely benign (6). Last evaluated 2025-12-23.

Conditions:
TSC2-related disorder. Also called: TSC2-related condition; TSC2-Related Disorders.
Hereditary cancer-predisposing syndrome. Also called: Neoplastic Syndromes, Hereditary; Tumor predisposition; Hereditary neoplastic syndrome; Hereditary Cancer Syndrome. Identifiers: Orphanet 140162, MedGen C0027672, MeSH D009386, MONDO:0015356.
Tuberous sclerosis syndrome (TSC). Also called: Tuberous Sclerosis Complex; Tuberous sclerosis. Identifiers: Orphanet 805, MedGen C0041341, MONDO:0001734.
Tuberous sclerosis 2 (TSC2). Identifiers: Orphanet 805, MedGen C1860707, MONDO:0013199, OMIM 613254.

Allele frequency attached by ClinVar (database versions not stated): TOPMed below 0.00001; gnomAD 0.00001; gnomAD exomes 0.00001.
gnomAD v4.1: 4 of 1,613,106 alleles (0.00025%); highest among the groups gnomAD compares: Non-Finnish European, 0.00034%; no homozygotes.

Submissions (8):

Labcorp Genetics (formerly Invitae), Labcorp
Classification: Likely benign for Tuberous sclerosis 2. Last evaluated: 2025-12-23. Review status: criteria provided, single submitter. Criteria: Invitae Variant Classification Sherloc (09022015). Collection method: clinical testing. Allele origin: germline.

Myriad Genetics, Inc.
Classification: Benign for Tuberous sclerosis 2. Last evaluated: 2025-05-20. Review status: criteria provided, single submitter. Criteria: Myriad Autosomal Dominant, Autosomal Recessive and X-Linked Classification Criteria (2023). Collection method: clinical testing. Allele origin: unknown.
Comment: This variant is considered benign. This variant is a silent/synonymous amino acid change and it is not expected to impact splicing.

PreventionGenetics, part of Exact Sciences
Classification: Likely benign for TSC2-related condition. Last evaluated: 2024-11-06. Review status: criteria provided, single submitter. Criteria: ACMG Guidelines, 2015. Collection method: clinical testing. Allele origin: germline.
Comment: This variant is classified as likely benign based on ACMG/AMP sequence variant interpretation guidelines (Richards et al. 2015 PMID: 25741868, with internal and published modifications).

All of Us Research Program, National Institutes of Health
Classification: Likely benign for Tuberous sclerosis syndrome. Last evaluated: 2023-12-13. Review status: criteria provided, single submitter. Criteria: ACMG Guidelines, 2015. Collection method: clinical testing. Allele origin: germline. Inheritance: Autosomal dominant inheritance. Observed: 1 variant allele, 1 heterozygote.
Comment: This study involves interpretation of variants in research participants for the purpose of population health screening. Participant phenotype was not available at the time of variant classification. Additional details can be found in publication PMID: 35346344, PMCID: PMC8962531

Color Diagnostics, LLC DBA Color Health
Classification: Likely benign for Tuberous sclerosis syndrome. Last evaluated: 2023-11-22. Review status: criteria provided, single submitter. Criteria: ACMG Guidelines, 2015. Collection method: clinical testing. Allele origin: germline.

Genome-Nilou Lab
Classification: Benign for Tuberous sclerosis 2. Last evaluated: 2021-11-07. Review status: criteria provided, single submitter. Criteria: ACMG Guidelines, 2015. Collection method: clinical testing. Allele origin: germline. Affected: no.

GeneDx
Classification: Likely benign. Last evaluated: 2020-11-10. Review status: criteria provided, single submitter. Criteria: GeneDx Variant Classification Process June 2021. Collection method: clinical testing. Allele origin: germline. Affected: yes.
Comment: Not observed in large population cohorts (Lek et al., 2016)

Ambry Genetics
Classification: Likely benign for Hereditary cancer-predisposing syndrome. Last evaluated: 2014-12-18. Review status: criteria provided, single submitter. Criteria: Ambry Variant Classification Scheme 2023. Collection method: clinical testing. Allele origin: germline.

NM_000548.5(TSC2):c.2454C>T (p.Ile818=)

Gene: TSC2 (TSC complex subunit 2; plus strand). Cytogenetic location: 16p13.3.
Variant type: single nucleotide variant.
Coding change: c.2454C>T on transcript NM_000548.5 (MANE Select); coding-DNA position 2454, C replaced by T.
Protein change: p.Ile818=; no amino-acid change (isoleucine 818 retained).
Molecular consequence: synonymous variant.
Genome position (GRCh38, 1-based): chr16:2,074,298, C>T. VCF-style: chr16-2074298-C-T. GRCh37 (hg19) VCF-style: chr16-2124299-C-T.
Other names: c.2454C>T, p.Ile818= (NM_001077183.3, NM_001114382.3, NM_001363528.2 and 3 more transcripts); c.2343C>T, p.Ile781= (NM_001318827.2); c.2307C>T, p.Ile769= (NM_001318829.2); c.1854C>T, p.Ile618= (NM_001318831.2); c.2487C>T, p.Ile829= (NM_001318832.2); c.2454C>T (NM_000548.4).
Identifiers: ClinVar variation 184659 (VCV000184659.25), dbSNP rs786201599, ClinGen allele CA017439.